The following is an entry in ClinVar:

ClinVar aggregate classification (germline): Uncertain significance (1 of 4 stars; one submission).

Submission:

Labcorp Genetics (formerly Invitae), Labcorp
Classification: Uncertain significance. Last evaluated: 2023-04-25. Review status: criteria provided, single submitter. Criteria: Invitae Variant Classification Sherloc (09022015). Collection method: clinical testing. Allele origin: germline.
Comment: In summary, the available evidence is currently insufficient to determine the role of this variant in disease. Therefore, it has been classified as a Variant of Uncertain Significance. Variants that disrupt the consensus splice site are a relatively common cause of aberrant splicing (PMID: 17576681, 9536098). Algorithms developed to predict the effect of sequence changes on RNA splicing suggest that this variant may disrupt the consensus splice site. This variant has not been reported in the literature in individuals affected with BEST1-related conditions. This variant is not present in population databases (gnomAD no frequency). This sequence change affects an acceptor splice site in intron 10 of the BEST1 gene. While this variant is not anticipated to result in nonsense mediated decay, it likely alters RNA splicing and results in a disrupted protein product.

Literature cited by the submitters: PubMed 17576681; PubMed 9536098.

NM_004183.4(BEST1):c.1740-1G>C

Gene: BEST1 (bestrophin 1; plus strand). Cytogenetic location: 11q12.3.
Variant type: single nucleotide variant.
Coding change: c.1740-1G>C on transcript NM_004183.4 (MANE Select); the canonical splice acceptor site of the intron before coding-DNA position 1740, G replaced by C.
Molecular consequence: splice acceptor variant.
Genome position (GRCh38, 1-based): chr11:61,964,103, G>C. VCF-style: chr11-61964103-G-C. GRCh37 (hg19) VCF-style: chr11-61731575-G-C.
Other names: c.*954G>C (NM_001139443.3, NM_001363591.3, NM_001363593.3); c.*1844G>C (NM_001363592.2); c.1560-1G>C (NM_001300787.2); c.1479-1G>C (NM_001300786.2).
Identifiers: ClinVar variation 2845717 (VCV002845717.3), dbSNP rs565942468, ClinGen allele CA380853217.